The following is an entry in ClinVar:

NM_000548.5(TSC2):c.336+19_336+33dup

Gene: TSC2 (TSC complex subunit 2; plus strand). Cytogenetic location: 16p13.3.
Variant type: Duplication.
Coding change: c.336+19_336+33dup on transcript NM_000548.5 (MANE Select); bases 19 to 33 of the intron after coding-DNA position 336, 15 bases duplicated (CTGGGATGGGTGACG).
Molecular consequence: intron variant. On other transcripts: inframe insertion (3), 5 prime UTR variant (1).
Genome position (GRCh38, 1-based): chr16:2,053,471-2,053,485, CTGGGATGGGTGACG duplicated; duplicating any 15 consecutive bases within chr16:2,053,467-2,053,485 gives the same sequence; the c. name uses the placement nearest the transcript's 3' end. VCF-style (leftmost placement, unchanged base first): chr16-2053466-C-CGACGCTGGGATGGGT. GRCh37 (hg19) VCF-style: chr16-2103467-C-CGACGCTGGGATGGGT.
Other names: c.-1084+19_-1084+33dup (NM_001406696.1); c.336+19_336+33dup (NM_001406671.1, NM_001406673.1, NM_001114382.3 and 8 more transcripts); c.-110+19_-110+33dup (NM_001406681.1); c.226-825_226-811dup (NM_001406670.1, NM_001318827.2, NM_001406678.1); c.-1-2725_-1-2711dup (NM_001406682.1, NM_001406684.1, NM_001406685.1 and 3 more transcripts); c.189+19_189+33dup (NM_001406675.1, NM_001406676.1, NM_001318829.2 and 1 more transcripts); c.369+19_369+33dup (NM_001318832.2); c.355_369dup, p.Thr123_Ser124insLeuGlyTrpValThr (NM_001406667.1, NM_001406668.1); and 6 more.
Identifiers: ClinVar variation 2761288 (VCV002761288.3), dbSNP rs2548399537, ClinGen allele CA2697549531.

ClinVar aggregate classification (germline): Uncertain significance (1 of 4 stars; one submission).

Conditions:
Tuberous sclerosis 2 (TSC2). Identifiers: Orphanet 805, MedGen C1860707, MONDO:0013199, OMIM 613254.

Submission:

Labcorp Genetics (formerly Invitae), Labcorp
Classification: Uncertain significance for Tuberous sclerosis 2. Last evaluated: 2023-09-17. Review status: criteria provided, single submitter. Criteria: Invitae Variant Classification Sherloc (09022015). Collection method: clinical testing. Allele origin: germline.
Comment: In summary, the available evidence is currently insufficient to determine the role of this variant in disease. Therefore, it has been classified as a Variant of Uncertain Significance. Experimental studies and prediction algorithms are not available or were not evaluated, and the effect of this variant on mRNA splicing is currently unknown. This variant has not been reported in the literature in individuals affected with TSC2-related conditions. This variant is not present in population databases (gnomAD no frequency). This sequence change falls in intron 4 of the TSC2 gene. It does not directly change the encoded amino acid sequence of the TSC2 protein.